The following is an entry in ClinVar:

NM_002474.3(MYH11):c.1409_1411del (p.Ser470del)

Gene: MYH11 (myosin heavy chain 11; minus strand). Cytogenetic location: 16p13.11.
Variant type: Deletion.
Coding change: c.1409_1411del on transcript NM_002474.3 (MANE Select); coding-DNA positions 1409 to 1411, 3 bases deleted (CCT; older notation c.1409_1411delCCT).
Protein change: p.Ser470del; deletes serine 470.
Genome position (GRCh38, 1-based): chr16:15,757,991-15,757,993, AGG deleted on the plus strand (CCT on the coding strand, the reverse complement: MYH11 is on the minus strand); deleting any 3 consecutive bases within chr16:15,757,991-15,757,995 gives the same sequence; the c. name uses the placement nearest the transcript's 3' end. VCF-style (leftmost placement, unchanged base first): chr16-15757990-AAGG-A. GRCh37 (hg19) VCF-style: chr16-15851847-AAGG-A.
Other names: c.1430_1432del, p.Ser477del (NM_001040113.2, NM_001040114.2); c.1409_1411del, p.Ser470del (NM_022844.3); short protein forms S470del, S477del.
Identifiers: ClinVar variation 4756971 (VCV004756971.1).
Genomic context (GRCh38, chr16:15,757,990, plus strand): 5'-ATGGTGTGGTTGAAGAGCTGCTGCAGCTTCTCGTTGGTGTAGTTGATGCACAGCTGCTCG[AAGG>A]AGTTCACCTGAGCACATGGCGTGGGGGCGGGGCGTGAGCATCTTGGTATGAAGTCAGAAG-3'

ClinVar aggregate classification (germline): Uncertain significance (1 of 4 stars; one submission).

Conditions:
Familial thoracic aortic aneurysm and aortic dissection (TAAD). Also called: Thoracic aortic aneurysms and dissections. Identifiers: Orphanet 91387, MedGen C4707243, MONDO:0019625.

Submission:

Color Diagnostics, LLC DBA Color Health
Classification: Uncertain significance for Familial thoracic aortic aneurysm and aortic dissection. Last evaluated: 2025-06-18. Review status: criteria provided, single submitter. Criteria: ACMG Guidelines, 2015. Collection method: clinical testing. Allele origin: germline.
Comment: This variant causes an in-frame deletion of one amino acid at exon 14 of the MYH11 protein. To our knowledge, functional studies have not been reported for this variant. This variant has not been reported in individuals affected with MYH11-related disorders in the literature. This variant has not been identified in the general population by the Genome Aggregation Database (gnomAD). The available evidence is insufficient to determine the role of this variant in disease conclusively. Therefore, this variant is classified as a Variant of Uncertain Significance.